The following is an entry in ClinVar:

NM_001037.5(SCN1B):c.442G>C (p.Asp148His)

Gene: SCN1B (sodium voltage-gated channel beta subunit 1; plus strand). Cytogenetic location: 19q13.11.
Variant type: single nucleotide variant.
Coding change: c.442G>C on transcript NM_001037.5 (MANE Select); coding-DNA position 442, G replaced by C.
Protein change: p.Asp148His; replaces aspartic acid 148 with histidine.
Molecular consequence: missense variant.
Genome position (GRCh38, 1-based): chr19:35,033,733, G>C. VCF-style: chr19-35033733-G-C. GRCh37 (hg19) VCF-style: chr19-35524637-G-C.
Other names: c.343G>C, p.Asp115His (NM_001321605.2); c.442G>C, p.Asp148His (NM_199037.5); short protein forms D115H, D148H.
Identifiers: ClinVar variation 3777271 (VCV003777271.1).

ClinVar aggregate classification (germline): Uncertain significance (1 of 4 stars; one submission).

Submission:

GeneDx
Classification: Uncertain significance. Last evaluated: 2024-10-14. Review status: criteria provided, single submitter. Criteria: GeneDx Variant Classification Process June 2021. Collection method: clinical testing. Allele origin: germline. Affected: yes.
Comment: Not observed at significant frequency in large population cohorts (gnomAD); In silico analysis supports that this missense variant has a deleterious effect on protein structure/function; Has not been previously published as pathogenic or benign to our knowledge